The following is an entry in ClinVar:

ClinVar aggregate classification (germline): Uncertain significance (1 of 4 stars; one submission).

Allele frequency attached by ClinVar (database versions not stated): gnomAD 0.00001; gnomAD exomes 0.00003; ExAC 0.00005.
gnomAD v4.1: 42 of 1,614,004 alleles (0.0026%); highest among the groups gnomAD compares: Middle Eastern, 0.049%; 1 homozygote.

Submission:

Labcorp Genetics (formerly Invitae), Labcorp
Classification: Uncertain significance. Last evaluated: 2025-08-16. Review status: criteria provided, single submitter. Criteria: Invitae Variant Classification Sherloc (09022015). Collection method: clinical testing. Allele origin: germline.
Comment: This sequence change replaces glutamic acid, which is acidic and polar, with aspartic acid, which is acidic and polar, at codon 396 of the CTNNB1 protein (p.Glu396Asp). This variant is present in population databases (rs751375496, gnomAD 0.03%). This variant has not been reported in the literature in individuals affected with CTNNB1-related conditions. ClinVar contains an entry for this variant (Variation ID: 1939730). An algorithm developed to predict the effect of missense changes on protein structure and function (PolyPhen-2) suggests that this variant is likely to be tolerated. Experimental studies are conflicting or provide insufficient evidence to determine the effect of this variant on CTNNB1 function (PMID: 36083290). In summary, the available evidence is currently insufficient to determine the role of this variant in disease. Therefore, it has been classified as a Variant of Uncertain Significance.

Literature cited by the submitters: PubMed 36083290.

NM_001904.4(CTNNB1):c.1188A>C (p.Glu396Asp)

Genes: CTNNB1 (catenin beta 1; plus strand), LOC126806659 (BRD4-independent group 4 enhancer GRCh37_chr3:41274918-41276117; plus strand). Cytogenetic location: 3p22.1.
Variant type: single nucleotide variant.
Coding change: c.1188A>C on transcript NM_001904.4 (MANE Select); coding-DNA position 1188, A replaced by C.
Protein change: p.Glu396Asp; replaces glutamic acid 396 with aspartic acid.
Molecular consequence: missense variant.
Genome position (GRCh38, 1-based): chr3:41,233,531, A>C. VCF-style: chr3-41233531-A-C. GRCh37 (hg19) VCF-style: chr3-41275022-A-C.
Other names: c.1188A>C, p.Glu396Asp (NM_001098209.2, NM_001098210.2); c.1167A>C, p.Glu389Asp (NM_001330729.2); short protein forms E389D, E396D.
Identifiers: ClinVar variation 1939730 (VCV001939730.5), dbSNP rs751375496, ClinGen allele CA2331054.